The following is an entry in ClinVar:

ClinVar aggregate classification (germline): Uncertain significance (1 of 4 stars; one submission).

Conditions:
Emery-Dreifuss muscular dystrophy 5, autosomal dominant (EDMD5). Also called: EMERY-DREIFUSS MUSCULAR DYSTROPHY 5. Identifiers: Orphanet 261, MedGen C2751805, MONDO:0013072, OMIM 612999.

Submission:

Labcorp Genetics (formerly Invitae), Labcorp
Classification: Uncertain significance for Emery-Dreifuss muscular dystrophy 5, autosomal dominant. Last evaluated: 2024-08-21. Review status: criteria provided, single submitter. Criteria: Invitae Variant Classification Sherloc (09022015). Collection method: clinical testing. Allele origin: germline.
Comment: This sequence change creates a premature translational stop signal (p.Lys1305Ilefs*5) in the SYNE2 gene. It is expected to result in an absent or disrupted protein product. However, the current clinical and genetic evidence is not sufficient to establish whether loss-of-function variants in SYNE2 cause disease. This variant is not present in population databases (gnomAD no frequency). This variant has not been reported in the literature in individuals affected with SYNE2-related conditions. In summary, the available evidence is currently insufficient to determine the role of this variant in disease. Therefore, it has been classified as a Variant of Uncertain Significance.

NM_182914.3(SYNE2):c.3913_3914insT (p.Lys1305fs)

Gene: SYNE2 (spectrin repeat containing nuclear envelope protein 2; plus strand). Cytogenetic location: 14q23.2.
Variant type: Insertion.
Coding change: c.3913_3914insT on transcript NM_182914.3 (MANE Select); coding-DNA positions 3913 to 3914, T inserted.
Protein change: p.Lys1305fs; shifts the reading frame from lysine 1305.
Molecular consequence: frameshift variant.
Genome position: GRCh38 VCF-style: chr14-64002846-A-AT. GRCh37 (hg19) VCF-style: chr14-64469564-A-AT.
Other names: c.3913_3914insT, p.Lys1305fs (NM_015180.6); short protein forms K1305fs.
Identifiers: ClinVar variation 3669621 (VCV003669621.2).